The following is an entry in ClinVar:

ClinVar aggregate classification (germline): Uncertain significance (1 of 4 stars; one submission).

Conditions:
Hereditary cancer-predisposing syndrome. Also called: Hereditary neoplastic syndrome; Neoplastic Syndromes, Hereditary; Tumor predisposition; Hereditary Cancer Syndrome. Identifiers: Orphanet 140162, MedGen C0027672, MeSH D009386, MONDO:0015356.

Submission:

Ambry Genetics
Classification: Uncertain significance for Hereditary cancer-predisposing syndrome. Last evaluated: 2025-02-05. Review status: criteria provided, single submitter. Criteria: Ambry Variant Classification Scheme 2023. Collection method: clinical testing. Allele origin: germline.
Comment: The p.P309T variant (also known as c.925C>A), located in coding exon 7 of the CDH1 gene, results from a C to A substitution at nucleotide position 925. The proline at codon 309 is replaced by threonine, an amino acid with highly similar properties. This amino acid position is conserved. In addition, the in silico prediction for this alteration is inconclusive. Based on the available evidence, the clinical significance of this variant remains unclear.

NM_004360.5(CDH1):c.925C>A (p.Pro309Thr)

Gene: CDH1 (cadherin 1; plus strand). Cytogenetic location: 16q22.1.
Variant type: single nucleotide variant.
Coding change: c.925C>A on transcript NM_004360.5 (MANE Select); coding-DNA position 925, C replaced by A.
Protein change: p.Pro309Thr; replaces proline 309 with threonine.
Molecular consequence: missense variant. On other transcripts: 5 prime UTR variant (2).
Genome position (GRCh38, 1-based): chr16:68,811,776, C>A. VCF-style: chr16-68811776-C-A. GRCh37 (hg19) VCF-style: chr16-68845679-C-A.
Other names: c.925C>A, p.Pro309Thr (NM_001317184.2); c.-691C>A (NM_001317185.2); c.-895C>A (NM_001317186.2); short protein forms P309T.
Identifiers: ClinVar variation 3829995 (VCV003829995.1).
Genomic context (GRCh38, chr16:68,811,776, plus strand): 5'-GCGGACGATGATGTGAACACCTACAATGCCGCCATCGCTTACACCATCCTCAGCCAAGAT[C>A]CTGAGCTCCCTGACAAAAATATGTTCACCATTAACAGGAACACAGGAGTCATCAGTGTGG-3'
Protein context (NP_004351.1, residues 299-319): AIAYTILSQD[Pro309Thr]ELPDKNMFTI